The following is an entry in ClinVar:

NM_001105203.2(RUSC1):c.213C>T (p.Cys71=)

Genes: RUSC1 (RUN and SH3 domain containing 1; plus strand), RUSC1-AS1 (RUSC1 antisense RNA 1; minus strand). Cytogenetic location: 1q22.
Variant type: single nucleotide variant.
Coding change: c.213C>T on transcript NM_001105203.2 (MANE Select); coding-DNA position 213, C replaced by T.
Protein change: p.Cys71=; no amino-acid change (cysteine 71 retained).
Molecular consequence: synonymous variant.
Genome position (GRCh38, 1-based): chr1:155,321,986, C>T. VCF-style: chr1-155321986-C-T. GRCh37 (hg19) VCF-style: chr1-155291777-C-T.
Other names: c.213C>T, p.Cys71= (NM_001105204.2).
Identifiers: ClinVar variation 2639402 (VCV002639402.24), dbSNP rs41264941, ClinGen allele CA1145149.
Genomic context (GRCh38, chr1:155,321,986, plus strand): 5'-CAGGGGCCCCTGCAGTGGCACCCTGGTGGACGCCAATTCCAACAGCCCAGCTGTGCCCTG[C>T]CGGTGCTGCCAGGAGCACGGTCCGGGCCTAGAAAACCGGCAGGACCCGTCACAGGAGGAA-3'
Protein context (NP_001098673.1, residues 61-81): DANSNSPAVP[Cys71=]RCCQEHGPGL

ClinVar aggregate classification (germline): Likely benign (1 of 4 stars; one submission).

Allele frequency attached by ClinVar (database versions not stated): gnomAD 0.00038; TOPMed 0.00048; ExAC 0.00054; ESP Exome Variant Server 0.00058; 1000 Genomes Project 0.00120; 1000 Genomes Project 30x 0.00125.
gnomAD v4.1: 487 of 1,599,180 alleles (0.03%); highest among the groups gnomAD compares: Middle Eastern, 0.5%; 1 homozygote.

Submission:

CeGaT Center for Human Genetics Tuebingen
Classification: Likely benign. Last evaluated: 2022-09-01. Review status: criteria provided, single submitter. Criteria: CeGaT Center For Human Genetics Tuebingen Variant Classification Criteria Version 2. Collection method: clinical testing. Allele origin: germline. Affected: yes. Observed: 1 variant allele.
Comment: RUSC1: BP4, BP7